The following is an entry in ClinVar:

ClinVar aggregate classification (germline): Uncertain significance (1 of 4 stars; one submission).

Conditions:
Lymphoproliferative syndrome 2 (LPFS2). Also called: CD27 DEFICIENCY; Combined immunodeficiency due to CD27 deficiency. Identifiers: Orphanet 238505, MedGen C3554540, MONDO:0014054, OMIM 615122.

gnomAD v4.1: 5 of 1,613,798 alleles (0.00031%); highest among the groups gnomAD compares: Middle Eastern, 0.016%; no homozygotes.

Submission:

Labcorp Genetics (formerly Invitae), Labcorp
Classification: Uncertain significance for Lymphoproliferative syndrome 2. Last evaluated: 2024-11-06. Review status: criteria provided, single submitter. Criteria: Invitae Variant Classification Sherloc (09022015). Collection method: clinical testing. Allele origin: germline.
Comment: This sequence change replaces glutamic acid, which is acidic and polar, with lysine, which is basic and polar, at codon 119 of the CD27 protein (p.Glu119Lys). The frequency data for this variant in the population databases is considered unreliable, as metrics indicate poor data quality at this position in the gnomAD database. This variant has not been reported in the literature in individuals affected with CD27-related conditions. Invitae Evidence Modeling of protein sequence and biophysical properties (such as structural, functional, and spatial information, amino acid conservation, physicochemical variation, residue mobility, and thermodynamic stability) has been performed for this missense variant. However, the output from this modeling did not meet the statistical confidence thresholds required to predict the impact of this variant on CD27 protein function. In summary, the available evidence is currently insufficient to determine the role of this variant in disease. Therefore, it has been classified as a Variant of Uncertain Significance.

NM_001242.5(CD27):c.355G>A (p.Glu119Lys)

Genes: CD27 (CD27 molecule; plus strand), CD27-AS1 (CD27 antisense RNA 1; minus strand). Cytogenetic location: 12p13.31.
Variant type: single nucleotide variant.
Coding change: c.355G>A on transcript NM_001242.5 (MANE Select); coding-DNA position 355, G replaced by A.
Protein change: p.Glu119Lys; replaces glutamic acid 119 with lysine.
Molecular consequence: missense variant. On other transcripts: 5 prime UTR variant (3), non-coding transcript variant (4), intron variant (1).
Genome position (GRCh38, 1-based): chr12:6,450,259, G>A. VCF-style: chr12-6450259-G-A. GRCh37 (hg19) VCF-style: chr12-6559425-G-A.
Other names: c.-96G>A (NM_001413268.1, NM_001413266.1, NM_001413267.1); c.269-282G>A (NM_001413265.1); c.448G>A, p.Glu150Lys (NM_001413263.1); c.328G>A, p.Glu110Lys (NM_001413264.1); short protein forms E119K, E110K, E150K.
Identifiers: ClinVar variation 3721109 (VCV003721109.2).
Genomic context (GRCh38, chr12:6,450,259, plus strand): 5'-ACTGCCAATGCTGAGTGTGCCTGTCGCAATGGCTGGCAGTGCAGGGACAAGGAGTGCACC[G>A]AGTGTGATCCTCTTCCAAACCCTTCGCTGACCGCTCGGTCGTCTCAGGCCCTGAGCCCAC-3'
Protein context (NP_001233.2, residues 109-129): GWQCRDKECT[Glu119Lys]CDPLPNPSLT